The following is an entry in ClinVar:

ClinVar aggregate classification (germline): Uncertain significance (1 of 4 stars; one submission).

Conditions:
Lower motor neuron syndrome with late-adult onset (SMAJ). Also called: Spinal muscular atrophy, Jokela type; Late-Onset Spinal Motor Neuronopathy (SMAJ). Identifiers: Orphanet 276435, MedGen C3554398, MONDO:0014025, OMIM 615048.
Frontotemporal dementia and/or amyotrophic lateral sclerosis 2. Also called: FTDALS2. Identifiers: Orphanet 275872, MedGen C4014648, MONDO:0014395, OMIM 615911.
Autosomal dominant mitochondrial myopathy with exercise intolerance (IMMD). Also called: Myopathy, isolated mitochondrial, autosomal dominant. Identifiers: Orphanet 457050, MedGen C4015513, MONDO:0014532, OMIM 616209.

Submission:

Labcorp Genetics (formerly Invitae), Labcorp
Classification: Uncertain significance for Lower motor neuron syndrome with late-adult onset; Frontotemporal dementia and/or amyotrophic lateral sclerosis 2; Autosomal dominant mitochondrial myopathy with exercise intolerance. Last evaluated: 2025-08-17. Review status: criteria provided, single submitter. Criteria: Invitae Variant Classification Sherloc (09022015). Collection method: clinical testing. Allele origin: germline.
Comment: This sequence change replaces proline, which is neutral and non-polar, with leucine, which is neutral and non-polar, at codon 96 of the CHCHD10 protein (p.Pro96Leu). The frequency data for this variant in the population databases is considered unreliable, as metrics indicate poor data quality at this position in the gnomAD database. This variant has not been reported in the literature in individuals affected with CHCHD10-related conditions. An algorithm developed to predict the effect of missense changes on protein structure and function (PolyPhen-2) suggests that this variant is likely to be disruptive. In summary, the available evidence is currently insufficient to determine the role of this variant in disease. Therefore, it has been classified as a Variant of Uncertain Significance.

NM_213720.3(CHCHD10):c.287C>T (p.Pro96Leu)

Gene: CHCHD10 (coiled-coil-helix-coiled-coil-helix domain containing 10; minus strand). Cytogenetic location: 22q11.23.
Variant type: single nucleotide variant.
Coding change: c.287C>T on transcript NM_213720.3 (MANE Select); coding-DNA position 287, C replaced by T.
Protein change: p.Pro96Leu; replaces proline 96 with leucine.
Molecular consequence: missense variant. On other transcripts: non-coding transcript variant (2).
Genome position (GRCh38, 1-based): chr22:23,766,250, G>A on the plus strand (C>T on the coding strand, the complement: CHCHD10 is on the minus strand). VCF-style: chr22-23766250-G-A. GRCh37 (hg19) VCF-style: chr22-24108437-G-A.
Other names: c.308C>T, p.Pro103Leu (NM_001301339.2); short protein forms P103L, P96L.
Identifiers: ClinVar variation 4792650 (VCV004792650.1).